The following is an entry in ClinVar:

ClinVar aggregate classification (germline): Uncertain significance (1 of 4 stars; one submission).

Submission:

GeneDx
Classification: Uncertain significance. Last evaluated: 2020-10-23. Review status: criteria provided, single submitter. Criteria: GeneDx Variant Classification Process June 2021. Collection method: clinical testing. Allele origin: germline. Affected: yes.
Comment: Not observed in large population cohorts (Lek 2016); In silico analysis supports that this missense variant has a deleterious effect on protein structure/function; Has not been previously published as pathogenic or benign to our knowledge

NM_001042492.3(NF1):c.4241T>G (p.Ile1414Ser)

Gene: NF1 (neurofibromin 1; plus strand). Cytogenetic location: 17q11.2.
Variant type: single nucleotide variant.
Coding change: c.4241T>G on transcript NM_001042492.3 (MANE Select); coding-DNA position 4241, T replaced by G.
Protein change: p.Ile1414Ser; replaces isoleucine 1414 with serine.
Molecular consequence: missense variant.
Genome position (GRCh38, 1-based): chr17:31,258,411, T>G. VCF-style: chr17-31258411-T-G. GRCh37 (hg19) VCF-style: chr17-29585429-T-G.
Other names: c.4178T>G, p.Ile1393Ser (NM_000267.4); short protein forms I1393S, I1414S.
Identifiers: ClinVar variation 1321096 (VCV001321096.2), dbSNP rs2151461968, ClinGen allele CA398997865.